The following is an entry in ClinVar:

NM_000526.5(KRT14):c.1243_1273del (p.Tyr415fs)

Gene: KRT14 (keratin 14; minus strand). Cytogenetic location: 17q21.2.
Variant type: Deletion.
Coding change: c.1243_1273del on transcript NM_000526.5 (MANE Select); coding-DNA positions 1243 to 1273, 31 bases deleted.
Protein change: p.Tyr415fs; shifts the reading frame from tyrosine 415.
Molecular consequence: frameshift variant.
Genome position (GRCh38, 1-based): chr17:41,583,236-41,583,266, 31 bases deleted; deleting any 31 consecutive bases within chr17:41,583,236-41,583,268 gives the same sequence; the c. name uses the placement nearest the transcript's 3' end. GRCh37 (hg19): chr17:39,739,490-39,739,520.
Other names: short protein forms Y415fs.
Identifiers: ClinVar variation 4891414 (VCV004891414.1).

ClinVar aggregate classification (germline): Likely pathogenic (1 of 4 stars; one submission).

Submission:

GeneDx
Classification: Likely pathogenic. Last evaluated: 2026-03-14. Review status: criteria provided, single submitter. Criteria: GeneDx Variant Classification Process June 2021. Collection method: clinical testing. Allele origin: germline.
Comment: Frameshift variant predicted to result in abnormal protein length as the last 58 amino acids are replaced with 16 different amino acids, and other similar variants have been reported in HGMD; Not observed at significant frequency in large population cohorts (gnomAD); Has not been previously published as pathogenic or benign to our knowledge; This variant is associated with the following publications: (PMID: 21176769)